The following is an entry in ClinVar:

NM_001042492.3(NF1):c.6052A>G (p.Ser2018Gly)

Gene: NF1 (neurofibromin 1; plus strand). Cytogenetic location: 17q11.2.
Variant type: single nucleotide variant.
Coding change: c.6052A>G on transcript NM_001042492.3 (MANE Select); coding-DNA position 6052, A replaced by G.
Protein change: p.Ser2018Gly; replaces serine 2018 with glycine.
Molecular consequence: missense variant.
Genome position (GRCh38, 1-based): chr17:31,336,378, A>G. VCF-style: chr17-31336378-A-G. GRCh37 (hg19) VCF-style: chr17-29663396-A-G.
Other names: c.5989A>G, p.Ser1997Gly (NM_000267.4); short protein forms S1997G, S2018G.
Identifiers: ClinVar variation 1197307 (VCV001197307.2), dbSNP rs2151553286, ClinGen allele CA399011110.
Genomic context (GRCh38, chr17:31,336,378, plus strand): 5'-TCCTTCTTCAACTAGATTACAGATCTGCTTGATGTTGTACTAGACAGTTTCATCAAAACC[A>G]GTGCAACAGGTGGCTTGGGATCAATAAAAGCTGAGGTGATGGCAGATACTGCTGTAGCTT-3'
Protein context (NP_001035957.1, residues 2008-2028): DVVLDSFIKT[Ser2018Gly]ATGGLGSIKA

ClinVar aggregate classification (germline): Uncertain significance (1 of 4 stars; one submission).

Submission:

GeneDx
Classification: Uncertain significance. Last evaluated: 2020-10-06. Review status: criteria provided, single submitter. Criteria: GeneDx Variant Classification Process June 2021. Collection method: clinical testing. Allele origin: germline. Affected: yes.
Comment: Not observed in large population cohorts (Lek 2016); In silico analysis supports that this missense variant has a deleterious effect on protein structure/function; Observed in an individual with Noonan-like facies and multiple cafe-au-lait macules (Lopez 2019); This variant is associated with the following publications: (PMID: 29368848)